The following is an entry in ClinVar:

ClinVar aggregate classification (germline): Uncertain significance (1 of 4 stars; one submission).

Submission:

Labcorp Genetics (formerly Invitae), Labcorp
Classification: Uncertain significance. Last evaluated: 2024-11-19. Review status: criteria provided, single submitter. Criteria: Invitae Variant Classification Sherloc (09022015). Collection method: clinical testing. Allele origin: germline.
Comment: This sequence change replaces alanine, which is neutral and non-polar, with valine, which is neutral and non-polar, at codon 755 of the CDH2 protein (p.Ala755Val). This variant is not present in population databases (gnomAD no frequency). This variant has not been reported in the literature in individuals affected with CDH2-related conditions. An algorithm developed to predict the effect of missense changes on protein structure and function (PolyPhen-2) suggests that this variant is likely to be disruptive. In summary, the available evidence is currently insufficient to determine the role of this variant in disease. Therefore, it has been classified as a Variant of Uncertain Significance.

NM_001792.5(CDH2):c.2264C>T (p.Ala755Val)

Gene: CDH2 (cadherin 2; minus strand). Cytogenetic location: 18q12.1.
Variant type: single nucleotide variant.
Coding change: c.2264C>T on transcript NM_001792.5 (MANE Select); coding-DNA position 2264, C replaced by T.
Protein change: p.Ala755Val; replaces alanine 755 with valine.
Molecular consequence: missense variant.
Genome position (GRCh38, 1-based): chr18:27,983,029, G>A on the plus strand (C>T on the coding strand, the complement: CDH2 is on the minus strand). VCF-style: chr18-27983029-G-A. GRCh37 (hg19) VCF-style: chr18-25562993-G-A.
Other names: c.2171C>T, p.Ala724Val (NM_001308176.2); short protein forms A755V, A724V.
Identifiers: ClinVar variation 3725642 (VCV003725642.2).